The following is an entry in ClinVar:

NM_024589.3(ROGDI):c.337-16T>A

Gene: ROGDI (rogdi atypical leucine zipper; minus strand). Cytogenetic location: 16p13.3.
Variant type: single nucleotide variant.
Coding change: c.337-16T>A on transcript NM_024589.3 (MANE Select); 16 bases into the intron before coding-DNA position 337, T replaced by A.
Molecular consequence: intron variant.
Genome position (GRCh38, 1-based): chr16:4,799,797, A>T on the plus strand (T>A on the coding strand, the complement: ROGDI is on the minus strand). VCF-style: chr16-4799797-A-T. GRCh37 (hg19) VCF-style: chr16-4849798-A-T.
Identifiers: ClinVar variation 1426432 (VCV001426432.5), dbSNP rs2141909472, ClinGen allele CA2573152066.

ClinVar aggregate classification (germline): Uncertain significance (1 of 4 stars; one submission).

Conditions:
Amelocerebrohypohidrotic syndrome (KTZS). Also called: EPILEPSY AND YELLOW TEETH; EPILEPSY, DEMENTIA, AND AMELOGENESIS IMPERFECTA; Kohlschutter's syndrome; KOHLSCHUTTER SYNDROME. Identifiers: Orphanet 1946, MedGen C0406740, MONDO:0009185, OMIM 226750.

Allele frequency attached by ClinVar (database versions not stated): gnomAD exomes below 0.00001.
gnomAD v4.1: 2 of 1,594,222 alleles (0.00013%); highest among the groups gnomAD compares: Non-Finnish European, 0.00017%; no homozygotes.

Submission:

Labcorp Genetics (formerly Invitae), Labcorp
Classification: Uncertain significance for Amelocerebrohypohidrotic syndrome. Last evaluated: 2022-07-26. Review status: criteria provided, single submitter. Criteria: Invitae Variant Classification Sherloc (09022015). Collection method: clinical testing. Allele origin: germline.
Comment: This sequence change falls in intron 5 of the ROGDI gene. It does not directly change the encoded amino acid sequence of the ROGDI protein. This variant is not present in population databases (gnomAD no frequency). This variant has not been reported in the literature in individuals affected with ROGDI-related conditions. ClinVar contains an entry for this variant (Variation ID: 1426432). Algorithms developed to predict the effect of sequence changes on RNA splicing suggest that this variant may disrupt the consensus splice site. In summary, the available evidence is currently insufficient to determine the role of this variant in disease. Therefore, it has been classified as a Variant of Uncertain Significance.